The following is an entry in ClinVar:

ClinVar aggregate classification (germline): Uncertain significance (1 of 4 stars; one submission).

Conditions:
GBA1-related disorder. Also called: GBA1-related condition.

gnomAD v4.1: 19 of 1,613,832 alleles (0.0012%); highest among the groups gnomAD compares: Non-Finnish European, 0.0015%; no homozygotes.

Submission:

PreventionGenetics, part of Exact Sciences
Classification: Uncertain significance for GBA1-related condition. Last evaluated: 2025-12-05. Review status: criteria provided, single submitter. Criteria: ACMG Guidelines, 2015. Collection method: clinical testing. Allele origin: germline.
Comment: The GBA1 c.-2G>A variant is located in the 5' untranslated region. To our knowledge, this variant has not been reported in the literature. This variant is reported in 0.0018% of alleles in individuals of European (Non-Finnish) descent in gnomAD. At this time, the clinical significance of this variant is uncertain due to the absence of conclusive functional and genetic evidence.

NM_000157.4(GBA1):c.-2G>A

Gene: GBA1 (glucosylceramidase beta 1; minus strand). Cytogenetic location: 1q22.
Variant type: single nucleotide variant.
Coding change: c.-2G>A on transcript NM_000157.4 (MANE Select); 2 bases upstream of the start codon, G replaced by A.
Molecular consequence: 5 prime UTR variant. On other transcripts: intron variant (1).
Genome position (GRCh38, 1-based): chr1:155,241,114, C>T on the plus strand (G>A on the coding strand, the complement: GBA1 is on the minus strand). VCF-style: chr1-155241114-C-T. GRCh37 (hg19) VCF-style: chr1-155210905-C-T.
Other names: c.-2G>A (NM_001005741.3, NM_001005742.3, NM_001171812.2); c.-146-1037G>A (NM_001171811.2).
Identifiers: ClinVar variation 4980422 (VCV004980422.1).